The following is an entry in ClinVar:

ClinVar aggregate classification (germline): Pathogenic (1 of 4 stars; one submission).

Submission:

Labcorp Genetics (formerly Invitae), Labcorp
Classification: Pathogenic. Last evaluated: 2018-06-01. Review status: criteria provided, single submitter. Criteria: Invitae Variant Classification Sherloc (09022015). Collection method: clinical testing. Allele origin: germline.
Comment: For these reasons, this variant has been classified as Pathogenic. Loss-of-function variants in NLRP7 are known to be pathogenic (PMID: 19246479, 19309689). This variant has not been reported in the literature in individuals with NLRP7-related disease. This variant is not present in population databases (ExAC no frequency). This sequence change creates a premature translational stop signal (p.Gln358*) in the NLRP7 gene. It is expected to result in an absent or disrupted protein product.

Literature cited by the submitters: PubMed 19246479; PubMed 19309689.

NM_001127255.2(NLRP7):c.1072C>T (p.Gln358Ter)

Gene: NLRP7 (NLR family pyrin domain containing 7; minus strand). Cytogenetic location: 19q13.42.
Variant type: single nucleotide variant.
Coding change: c.1072C>T on transcript NM_001127255.2 (MANE Select); coding-DNA position 1072, C replaced by T.
Protein change: p.Gln358Ter; replaces glutamine 358 with a stop codon.
Molecular consequence: nonsense.
Genome position (GRCh38, 1-based): chr19:54,939,747, G>A on the plus strand (C>T on the coding strand, the complement: NLRP7 is on the minus strand). VCF-style: chr19-54939747-G-A. GRCh37 (hg19) VCF-style: chr19-55451115-G-A.
Other names: c.1072C>T, p.Gln358Ter (NM_001405531.1, NM_139176.4, NM_206828.4); short protein forms Q358*.
Identifiers: ClinVar variation 1074591 (VCV001074591.8), dbSNP rs2146218837, ClinGen allele CA407862716.
Genomic context (GRCh38, chr19:54,939,747, plus strand): 5'-CCATCTGCAGCTTCAGAGTCGTGCACACAATCCAGCACACCGCGGGGGCCGAGCCCAGCT[G>A]GAACAGGGCCGCGTTGCTCCTCATTAGCTCAAAGGCACGCATGGCTTGGTCCTCGTCTCC-3'